The following is an entry in ClinVar:

ClinVar aggregate classification (germline): Uncertain significance (1 of 4 stars; one submission).

Submission:

GeneDx
Classification: Uncertain significance. Last evaluated: 2022-05-04. Review status: criteria provided, single submitter. Criteria: GeneDx Variant Classification Process June 2021. Collection method: clinical testing. Allele origin: germline. Affected: yes.
Comment: In silico analysis supports a deleterious effect on protein structure/function; In-frame deletion of 1 amino acid in a repetitive region with no known function; Has not been previously published as pathogenic or benign to our knowledge

NM_014712.3(SETD1A):c.1947TCC[1] (p.Pro654del)

Gene: SETD1A (SET domain containing 1A, histone lysine methyltransferase; plus strand). Cytogenetic location: 16p11.2.
Variant type: Microsatellite.
Coding change: c.1947TCC[1] on transcript NM_014712.3 (MANE Select); one copy of the 3-base unit TCC starting at c.1947; the reference has two copies in a row; one copy, 3 bases deleted.
Protein change: p.Pro654del; deletes proline 654.
Molecular consequence: inframe deletion.
Genome position (GRCh38, 1-based): chr16:30,965,831-30,965,833, TCC deleted; deleting any 3 consecutive bases within chr16:30,965,826-30,965,833 gives the same sequence; the position shown is the placement nearest the transcript's 3' end. VCF-style (leftmost placement, unchanged base first): chr16-30965825-ACCT-A. GRCh37 (hg19) VCF-style: chr16-30977146-ACCT-A.
Other names: short protein forms P654del.
Identifiers: ClinVar variation 1723024 (VCV001723024.2), dbSNP rs764608389, ClinGen allele CA8016816.